The following is an entry in ClinVar:

ClinVar aggregate classification (germline): Uncertain significance. Review status: criteria provided, multiple submitters, no conflicts (2 of 4 stars). 2 submissions from 2 submitters: Uncertain significance (2). Last evaluated 2025-10-21.

Conditions:
BBS9-related disorder. Also called: BBS9-related condition.

Submissions (2):

PreventionGenetics, part of Exact Sciences
Classification: Uncertain significance for BBS9-related condition. Last evaluated: 2025-10-21. Review status: criteria provided, single submitter. Criteria: ACMG Guidelines, 2015. Collection method: clinical testing. Allele origin: germline.
Comment: The BBS9 c.956C>A variant is predicted to result in the amino acid substitution p.Thr319Lys. To our knowledge, this variant has not been reported in the literature or in a large population database (gnomAD), indicating this variant is rare. At this time, the clinical significance of this variant is uncertain due to the absence of conclusive functional and genetic evidence.

Blueprint Genetics
Classification: Uncertain significance. Last evaluated: 2019-12-16. Review status: criteria provided, single submitter. Criteria: ACMG Guidelines, 2015. Collection method: clinical testing. Allele origin: germline.

NM_198428.3(BBS9):c.956C>A (p.Thr319Lys)

Gene: BBS9 (Bardet-Biedl syndrome 9; plus strand). Cytogenetic location: 7p14.3.
Variant type: single nucleotide variant.
Coding change: c.956C>A on transcript NM_198428.3 (MANE Select); coding-DNA position 956, C replaced by A.
Protein change: p.Thr319Lys; replaces threonine 319 with lysine.
Molecular consequence: missense variant. On other transcripts: non-coding transcript variant (3).
Genome position (GRCh38, 1-based): chr7:33,273,896, C>A. VCF-style: chr7-33273896-C-A. GRCh37 (hg19) VCF-style: chr7-33313508-C-A.
Other names: c.956C>A, p.Thr319Lys (NM_001033604.2, NM_001033605.2, NM_001348036.1 and 5 more transcripts); c.590C>A, p.Thr197Lys (NM_001348037.3, NM_001348044.3, NM_001348045.3 and 1 more transcripts); c.683C>A, p.Thr228Lys (NM_001348038.3, NM_001348039.3); c.821C>A, p.Thr274Lys (NM_001348042.3); short protein forms T197K, T228K, T274K, T319K.
Identifiers: ClinVar variation 3349595 (VCV003349595.3).